The following is an entry in ClinVar:

NM_005502.4(ABCA1):c.1363G>A (p.Gly455Ser)

Gene: ABCA1 (ATP binding cassette subfamily A member 1; minus strand). Cytogenetic location: 9q31.1.
Variant type: single nucleotide variant.
Coding change: c.1363G>A on transcript NM_005502.4 (MANE Select); coding-DNA position 1363, G replaced by A.
Protein change: p.Gly455Ser; replaces glycine 455 with serine.
Molecular consequence: missense variant.
Genome position (GRCh38, 1-based): chr9:104,832,720, C>T on the plus strand (G>A on the coding strand, the complement: ABCA1 is on the minus strand). VCF-style: chr9-104832720-C-T. GRCh37 (hg19) VCF-style: chr9-107595001-C-T.
Other names: short protein forms G455S.
Identifiers: ClinVar variation 4232385 (VCV004232385.1).

ClinVar aggregate classification (germline): Uncertain significance (1 of 4 stars; one submission).

Conditions:
Cardiovascular phenotype. Identifiers: MedGen CN230736.

gnomAD v4.1: 4 of 1,614,090 alleles (0.00025%); highest among the groups gnomAD compares: Non-Finnish European, 0.00034%; no homozygotes.

Submission:

Ambry Genetics
Classification: Uncertain significance for Cardiovascular phenotype. Last evaluated: 2025-07-15. Review status: criteria provided, single submitter. Criteria: Ambry Variant Classification Scheme 2023. Collection method: clinical testing. Allele origin: germline.
Comment: The p.G455S variant (also known as c.1363G>A), located in coding exon 11 of the ABCA1 gene, results from a G to A substitution at nucleotide position 1363. The glycine at codon 455 is replaced by serine, an amino acid with similar properties. This amino acid position is conserved. In addition, this alteration is predicted to be tolerated by in silico analysis. Based on the available evidence, the clinical significance of this variant remains unclear.